The following is an entry in ClinVar:

NM_000302.4(PLOD1):c.1447_1448dup (p.Cys484fs)

Gene: PLOD1 (procollagen-lysine,2-oxoglutarate 5-dioxygenase 1; plus strand). Cytogenetic location: 1p36.22.
Variant type: Duplication.
Coding change: c.1447_1448dup on transcript NM_000302.4 (MANE Select); coding-DNA positions 1447 to 1448, 2 bases duplicated (TT; older notation c.1447_1448dupTT).
Protein change: p.Cys484fs; shifts the reading frame from cysteine 484.
Molecular consequence: frameshift variant.
Genome position (GRCh38, 1-based): chr1:11,964,762-11,964,763, TT duplicated. VCF-style (leftmost placement, unchanged base first): chr1-11964761-C-CTT. GRCh37 (hg19) VCF-style: chr1-12024818-C-CTT.
Other names: c.1588_1589dup, p.Cys531fs (NM_001316320.2); short protein forms C484fs, C531fs.
Identifiers: ClinVar variation 4993147 (VCV004993147.1).

ClinVar aggregate classification (germline): Likely pathogenic (1 of 4 stars; one submission).

Conditions:
PLOD1-related disorder. Also called: PLOD1-related condition.

Submission:

PreventionGenetics, part of Exact Sciences
Classification: Likely pathogenic for PLOD1-related condition. Last evaluated: 2026-06-10. Review status: criteria provided, single submitter. Criteria: ACMG Guidelines, 2015. Collection method: clinical testing. Allele origin: germline.
Comment: The PLOD1 c.1447_1448dupTT variant is predicted to result in a frameshift and premature protein termination (p.Cys484Serfs*14). To our knowledge, this variant has not been reported in the literature or in a large population database (gnomAD), indicating this variant is rare. Frameshift variants in PLOD1 are expected to be pathogenic. This variant is interpreted as likely pathogenic.